The following is an entry in ClinVar:

ClinVar aggregate classification (germline): Uncertain significance. Review status: criteria provided, multiple submitters, no conflicts (2 of 4 stars). 2 submissions from 2 submitters: Uncertain significance (2). Last evaluated 2025-12-23.

Conditions:
Mosaic variegated aneuploidy syndrome 1 (MVA1). Also called: Warburton-Anyane-Yeboa syndrome. Identifiers: Orphanet 1052, MedGen C1850343, MONDO:0009759, OMIM 257300.

Allele frequency attached by ClinVar (database versions not stated): gnomAD 0.00001; TOPMed 0.00002; ESP Exome Variant Server 0.00008.
gnomAD v4.1: 52 of 1,613,918 alleles (0.0032%); highest among the groups gnomAD compares: Non-Finnish European, 0.0043%; no homozygotes.

Submissions (2):

Labcorp Genetics (formerly Invitae), Labcorp
Classification: Uncertain significance for Mosaic variegated aneuploidy syndrome 1. Last evaluated: 2025-12-23. Review status: criteria provided, single submitter. Criteria: Invitae Variant Classification Sherloc (09022015). Collection method: clinical testing. Allele origin: germline.
Comment: This sequence change replaces leucine, which is neutral and non-polar, with valine, which is neutral and non-polar, at codon 918 of the BUB1B protein (p.Leu918Val). This variant is present in population databases (rs145639700, gnomAD 0.0009%). This variant has not been reported in the literature in individuals affected with BUB1B-related conditions. ClinVar contains an entry for this variant (Variation ID: 1318456). An algorithm developed to predict the effect of missense changes on protein structure and function (PolyPhen-2) suggests that this variant is likely to be disruptive. In summary, the available evidence is currently insufficient to determine the role of this variant in disease. Therefore, it has been classified as a Variant of Uncertain Significance.

GeneDx
Classification: Uncertain significance. Last evaluated: 2021-04-30. Review status: criteria provided, single submitter. Criteria: GeneDx Variant Classification Process June 2021. Collection method: clinical testing. Allele origin: germline. Affected: yes.
Comment: Not observed at a significant frequency in large population cohorts (Lek 2016); In silico analysis supports that this missense variant does not alter protein structure/function; Observed in individuals with ovarian cancer and neuroblastoma (Zhang 2015, Song 2021); This variant is associated with the following publications: (PMID: 26580448, 32546565, 29641532)

NM_001211.6(BUB1B):c.2752C>G (p.Leu918Val)

Genes: BUB1B (BUB1 mitotic checkpoint serine/threonine kinase B; plus strand), BUB1B-PAK6 (BUB1B-PAK6 readthrough; plus strand). Cytogenetic location: 15q15.1.
Variant type: single nucleotide variant.
Coding change: c.2752C>G on transcript NM_001211.6 (MANE Select); coding-DNA position 2752, C replaced by G.
Protein change: p.Leu918Val; replaces leucine 918 with valine.
Molecular consequence: missense variant. On other transcripts: 5 prime UTR variant (2).
Genome position (GRCh38, 1-based): chr15:40,217,569, C>G. VCF-style: chr15-40217569-C-G. GRCh37 (hg19) VCF-style: chr15-40509770-C-G.
Other names: c.-299C>G (NM_001128628.3); c.-216C>G (NM_001128629.3); short protein forms L918V.
Identifiers: ClinVar variation 1318456 (VCV001318456.9), dbSNP rs145639700, ClinGen allele CA268760976.